The following is an entry in ClinVar:

ClinVar aggregate classification (germline): Pathogenic (1 of 4 stars; one submission).

Conditions:
Nemaline myopathy 2 (NEM2). Also called: Nemaline myopathy 2, autosomal recessive. Identifiers: MedGen C1850569, MONDO:0009725, OMIM 256030.

Submission:

Labcorp Genetics (formerly Invitae), Labcorp
Classification: Pathogenic for Nemaline myopathy 2. Last evaluated: 2021-12-18. Review status: criteria provided, single submitter. Criteria: Invitae Variant Classification Sherloc (09022015). Collection method: clinical testing. Allele origin: germline.
Comment: This variant is not present in population databases (gnomAD no frequency). For these reasons, this variant has been classified as Pathogenic. This variant has not been reported in the literature in individuals affected with NEB-related conditions. This sequence change creates a premature translational stop signal (p.Ala2538Glnfs*37) in the NEB gene. It is expected to result in an absent or disrupted protein product. Loss-of-function variants in NEB are known to be pathogenic (PMID: 25205138).

Literature cited by the submitters: PubMed 25205138.

NM_001164508.2(NEB):c.7611del (p.Ala2538fs)

Gene: NEB (nebulin; minus strand). Cytogenetic location: 2q23.3.
Variant type: Deletion.
Coding change: c.7611del on transcript NM_001164508.2 (MANE Select); coding-DNA position 7611, one base deleted (A; older notation c.7611delA).
Protein change: p.Ala2538fs; shifts the reading frame from alanine 2538.
Molecular consequence: frameshift variant.
Genome position (GRCh38, 1-based): chr2:151,644,501, T deleted on the plus strand (A on the coding strand, the reverse complement: NEB is on the minus strand); the first of 3 consecutive T bases (chr2:151,644,501-151,644,503); deleting any one gives the same sequence. VCF-style (leftmost placement, unchanged base first): chr2-151644500-CT-C. GRCh37 (hg19) VCF-style: chr2-152501014-CT-C.
Other names: c.7611del, p.Ala2538fs (NM_001164507.2, NM_001271208.2, NM_004543.5); short protein forms A2538fs.
Identifiers: ClinVar variation 2047302 (VCV002047302.4), dbSNP rs2552247669, ClinGen allele CA2580064059.
Genomic context (GRCh38, chr2:151,644,500, plus strand): 5'-TCAATATCAACAGAGGATAAAATCTTACTTCACTGGCAATTTCCCGGGAGGCTTTTGCTG[CT>C]TTGATTGGTATGGCATCAACAGGAAGATCGTAACCTTTTCTCTTCAGCTCCTCATAACCC-3'